The following is an entry in ClinVar:

ClinVar aggregate classification (germline): Uncertain significance (1 of 4 stars; one submission).

Conditions:
Hereditary cancer-predisposing syndrome. Also called: Neoplastic Syndromes, Hereditary; Tumor predisposition; Hereditary Cancer Syndrome; Hereditary neoplastic syndrome. Identifiers: Orphanet 140162, MedGen C0027672, MeSH D009386, MONDO:0015356.
Cardiovascular phenotype. Identifiers: MedGen CN230736.

Submission:

Ambry Genetics
Classification: Uncertain significance for Cardiovascular phenotype; Hereditary cancer-predisposing syndrome. Last evaluated: 2021-08-24. Review status: criteria provided, single submitter. Criteria: Ambry Variant Classification Scheme 2023. Collection method: clinical testing. Allele origin: germline.
Comment: The p.D2529A variant (also known as c.7586A>C), located in coding exon 51 of the NF1 gene, results from an A to C substitution at nucleotide position 7586. The aspartic acid at codon 2529 is replaced by alanine, an amino acid with dissimilar properties. This amino acid position is highly conserved in available vertebrate species. In addition, this alteration is predicted to be tolerated by in silico analysis. Since supporting evidence is limited at this time, the clinical significance of this alteration remains unclear.

NM_001042492.3(NF1):c.7649A>C (p.Asp2550Ala)

Gene: NF1 (neurofibromin 1; plus strand). Cytogenetic location: 17q11.2.
Variant type: single nucleotide variant.
Coding change: c.7649A>C on transcript NM_001042492.3 (MANE Select); coding-DNA position 7649, A replaced by C.
Protein change: p.Asp2550Ala; replaces aspartic acid 2550 with alanine.
Molecular consequence: missense variant.
Genome position (GRCh38, 1-based): chr17:31,356,493, A>C. VCF-style: chr17-31356493-A-C. GRCh37 (hg19) VCF-style: chr17-29683511-A-C.
Other names: c.7586A>C, p.Asp2529Ala (NM_000267.4); short protein forms D2529A, D2550A.
Identifiers: ClinVar variation 1759633 (VCV001759633.2), dbSNP rs2151581082, ClinGen allele CA399018044.
Genomic context (GRCh38, chr17:31,356,493, plus strand): 5'-TTGCATATTCTTAACTTTTGTTTATAGGAACAAGGAAAAGTTTTGATCACTTGATATCAG[A>C]CACAAAGGCTCCTAAAAGGCAAGAAATGGAATCAGGGATCACAACACCCCCCAAAATGAG-3'
Protein context (NP_001035957.1, residues 2540-2560): TRKSFDHLIS[Asp2550Ala]TKAPKRQEME